The following is an entry in ClinVar:

ClinVar aggregate classification (germline): Uncertain significance. Review status: criteria provided, multiple submitters, no conflicts (2 of 4 stars). 2 submissions from 2 submitters: Uncertain significance (2). Last evaluated 2022-12-05.

Conditions:
Mucopolysaccharidosis, MPS-III-A (MPS3A). Also called: HEPARAN SULFATE SULFATASE DEFICIENCY; SANFILIPPO SYNDROME A; SULFAMIDASE DEFICIENCY; MPS III A; MPS IIIA (Sanfilippo Syndrome Type A); Mucopolysaccharidosis type IIIA (Sanfilippo A). Identifiers: Orphanet 581, Orphanet 79269, MedGen C0086647, MONDO:0009655, OMIM 252900.

Allele frequency attached by ClinVar (database versions not stated): ExAC 0.00002; gnomAD 0.00001.
gnomAD v4.1: 20 of 1,613,840 alleles (0.0012%); highest among the groups gnomAD compares: South Asian, 0.0055%; no homozygotes.

Submissions (2):

Department of Pathology and Laboratory Medicine, Sinai Health System
Classification: Uncertain significance for Mucopolysaccharidosis, MPS-III-A. Last evaluated: 2022-12-05. Review status: criteria provided, single submitter. Criteria: ACMG Guidelines, 2015. Collection method: research. Allele origin: germline.

Labcorp Genetics (formerly Invitae), Labcorp
Classification: Uncertain significance for Mucopolysaccharidosis, MPS-III-A. Last evaluated: 2021-10-29. Review status: criteria provided, single submitter. Criteria: Invitae Variant Classification Sherloc (09022015). Collection method: clinical testing. Allele origin: germline.
Comment: This sequence change replaces arginine, which is basic and polar, with glutamine, which is neutral and polar, at codon 382 of the SGSH protein (p.Arg382Gln). This variant is present in population databases (rs779661554, gnomAD 0.004%). This variant has not been reported in the literature in individuals affected with SGSH-related conditions. Advanced modeling of protein sequence and biophysical properties (such as structural, functional, and spatial information, amino acid conservation, physicochemical variation, residue mobility, and thermodynamic stability) performed at Invitae indicates that this missense variant is expected to disrupt SGSH protein function. In summary, the available evidence is currently insufficient to determine the role of this variant in disease. Therefore, it has been classified as a Variant of Uncertain Significance.

NM_000199.5(SGSH):c.1145G>A (p.Arg382Gln)

Gene: SGSH (N-sulfoglucosamine sulfohydrolase; minus strand). Cytogenetic location: 17q25.3.
Variant type: single nucleotide variant.
Coding change: c.1145G>A on transcript NM_000199.5 (MANE Select); coding-DNA position 1145, G replaced by A.
Protein change: p.Arg382Gln; replaces arginine 382 with glutamine.
Molecular consequence: missense variant. On other transcripts: 3 prime UTR variant (2), non-coding transcript variant (1).
Genome position (GRCh38, 1-based): chr17:80,210,816, C>T on the plus strand (G>A on the coding strand, the complement: SGSH is on the minus strand). VCF-style: chr17-80210816-C-T. GRCh37 (hg19) VCF-style: chr17-78184615-C-T.
Other names: c.*232G>A (NM_001352921.3); c.*195G>A (NM_001352922.2); short protein forms R382Q.
Identifiers: ClinVar variation 1449922 (VCV001449922.4), dbSNP rs779661554, ClinGen allele CA8817659.